The following is an entry in ClinVar:

NM_000326.5(RLBP1):c.488T>A (p.Ile163Asn)

Gene: RLBP1 (retinaldehyde binding protein 1; minus strand). Cytogenetic location: 15q26.1.
Variant type: single nucleotide variant.
Coding change: c.488T>A on transcript NM_000326.5 (MANE Select); coding-DNA position 488, T replaced by A.
Protein change: p.Ile163Asn; replaces isoleucine 163 with asparagine.
Molecular consequence: missense variant.
Genome position (GRCh38, 1-based): chr15:89,215,097, A>T on the plus strand (T>A on the coding strand, the complement: RLBP1 is on the minus strand). VCF-style: chr15-89215097-A-T. GRCh37 (hg19) VCF-style: chr15-89758328-A-T.
Other names: short protein forms I163N.
Identifiers: ClinVar variation 2130107 (VCV002130107.1), dbSNP rs116677006, ClinGen allele CA393729652.

ClinVar aggregate classification (germline): Uncertain significance (1 of 4 stars; one submission).

Submission:

Labcorp Genetics (formerly Invitae), Labcorp
Classification: Uncertain significance. Last evaluated: 2022-05-03. Review status: criteria provided, single submitter. Criteria: Invitae Variant Classification Sherloc (09022015). Collection method: clinical testing. Allele origin: germline.
Comment: This sequence change replaces isoleucine, which is neutral and non-polar, with asparagine, which is neutral and polar, at codon 163 of the RLBP1 protein (p.Ile163Asn). This variant is present in population databases (no rsID available, gnomAD 0.009%). This variant has not been reported in the literature in individuals affected with RLBP1-related conditions. Algorithms developed to predict the effect of missense changes on protein structure and function are either unavailable or do not agree on the potential impact of this missense change (SIFT: "Deleterious"; PolyPhen-2: "Probably Damaging"; Align-GVGD: "Class C0"). In summary, the available evidence is currently insufficient to determine the role of this variant in disease. Therefore, it has been classified as a Variant of Uncertain Significance.